The following is an entry in ClinVar:

NM_031407.7(HUWE1):c.4782A>C (p.Glu1594Asp)

Gene: HUWE1 (HECT, UBA and WWE domain containing E3 ubiquitin protein ligase 1; minus strand). Cytogenetic location: Xp11.22.
Variant type: single nucleotide variant.
Coding change: c.4782A>C on transcript NM_031407.7 (MANE Select); coding-DNA position 4782, A replaced by C.
Protein change: p.Glu1594Asp; replaces glutamic acid 1594 with aspartic acid.
Molecular consequence: missense variant.
Genome position (GRCh38, 1-based): chrX:53,586,532, T>G on the plus strand (A>C on the coding strand, the complement: HUWE1 is on the minus strand). VCF-style: chrX-53586532-T-G. GRCh37 (hg19) VCF-style: chrX-53613492-T-G.
Other names: short protein forms E1594D.
Identifiers: ClinVar variation 1810576 (VCV001810576.1), dbSNP rs2063867338, ClinGen allele CA413175451.

ClinVar aggregate classification (germline): Uncertain significance (1 of 4 stars; one submission).

Allele frequency attached by ClinVar (database versions not stated): gnomAD 0.00001; TOPMed 0.00001.
gnomAD v4.1: 1 of 1,206,034 alleles (0.000083%); highest among the groups gnomAD compares: Admixed American, 0.0022%; no homozygotes.

Submission:

GeneDx
Classification: Uncertain significance. Last evaluated: 2022-07-08. Review status: criteria provided, single submitter. Criteria: GeneDx Variant Classification Process June 2021. Collection method: clinical testing. Allele origin: germline. Affected: yes.
Comment: Not observed at significant frequency in large population cohorts (gnomAD); In silico analysis supports that this missense variant does not alter protein structure/function; Has not been previously published as pathogenic or benign to our knowledge